The following is an entry in ClinVar:

ClinVar aggregate classification (germline): Uncertain significance (1 of 4 stars; one submission).

Allele frequency attached by ClinVar (database versions not stated): gnomAD exomes below 0.00001.
gnomAD v4.1: 5 of 1,613,960 alleles (0.00031%); highest among the groups gnomAD compares: South Asian, 0.0022%; no homozygotes.

Submission:

Laboratory for Molecular Medicine, Mass General Brigham Personalized Medicine
Classification: Uncertain significance. Last evaluated: 2012-02-14. Review status: criteria provided, single submitter. Criteria: LMM Criteria. Collection method: clinical testing. Allele origin: germline. Observed: 1 variant allele.
Comment: The Arg8391Gly variant (TTN) has not been previously reported nor previously ide ntified by our laboratory. Arginine at position 8391 is not well conserved in ev olution, suggesting that a change may be tolerated. Computational analyses (bio chemical amino acid properties, conservation, AlignGVGD, and SIFT) do not provid e strong support for or against an impact to the protein. Additional information is needed to fully assess the clinical significance of the Arg8391Gly variant.

NM_001267550.2(TTN):c.28903A>G (p.Arg9635Gly)

Gene: TTN (titin; minus strand). Cytogenetic location: 2q31.2.
Variant type: single nucleotide variant.
Coding change: c.28903A>G on transcript NM_001267550.2 (MANE Select); coding-DNA position 28903, A replaced by G.
Protein change: p.Arg9635Gly; replaces arginine 9635 with glycine.
Molecular consequence: missense variant. On other transcripts: intron variant (3).
Genome position (GRCh38, 1-based): chr2:178,707,664, T>C on the plus strand (A>G on the coding strand, the complement: TTN is on the minus strand). VCF-style: chr2-178707664-T-C. GRCh37 (hg19) VCF-style: chr2-179572391-T-C.
Other names: c.25171A>G, p.Arg8391Gly (NM_133378.4); c.27952A>G, p.Arg9318Gly (NM_001256850.1); c.13282+30418A>G (NM_003319.4); c.13858+30418A>G (NM_133437.4); c.13657+30418A>G (NM_133432.3); short protein forms R9635G, R8391G, R9318G.
Identifiers: ClinVar variation 46815 (VCV000046815.5), dbSNP rs397517531, ClinGen allele CA139270.